The following is an entry in ClinVar:

NM_001065.4(TNFRSF1A):c.1349C>T (p.Ala450Val)

Gene: TNFRSF1A (TNF receptor superfamily member 1A; minus strand). Cytogenetic location: 12p13.31.
Variant type: single nucleotide variant.
Coding change: c.1349C>T on transcript NM_001065.4 (MANE Select); coding-DNA position 1349, C replaced by T.
Protein change: p.Ala450Val; replaces alanine 450 with valine.
Molecular consequence: missense variant. On other transcripts: non-coding transcript variant (1).
Genome position (GRCh38, 1-based): chr12:6,329,331, G>A on the plus strand (C>T on the coding strand, the complement: TNFRSF1A is on the minus strand). VCF-style: chr12-6329331-G-A. GRCh37 (hg19) VCF-style: chr12-6438497-G-A.
Other names: c.1025C>T, p.Ala342Val (NM_001346091.2); c.890C>T, p.Ala297Val (NM_001346092.2); short protein forms A297V, A342V, A450V.
Identifiers: ClinVar variation 3459166 (VCV003459166.3).

ClinVar aggregate classification (germline): Uncertain significance. Review status: criteria provided, multiple submitters, no conflicts (2 of 4 stars). 2 submissions from 2 submitters: Uncertain significance (2). Last evaluated 2024-11-22.

Conditions:
Inborn genetic diseases. Identifiers: MedGen C0950123, MeSH D030342.
TNF receptor-associated periodic fever syndrome (TRAPS) (FPF). Also called: FAMILIAL HIBERNIAN FEVER; TNF RECEPTOR-ASSOCIATED PERIODIC SYNDROME; TUMOR NECROSIS FACTOR RECEPTOR-ASSOCIATED PERIODIC SYNDROME; TNF Receptor-Associated Periodic Fever Syndrome; TNF receptor 1-associated periodic fever syndrome; Autosomal Dominant Familial Periodic Fever. Identifiers: Orphanet 32960, MedGen C1275126, MONDO:0007727, OMIM 142680.

Submissions (2):

Ambry Genetics
Classification: Uncertain significance for Inborn genetic diseases. Last evaluated: 2024-11-22. Review status: criteria provided, single submitter. Criteria: Ambry Variant Classification Scheme 2023. Collection method: clinical testing. Allele origin: germline.

Labcorp Genetics (formerly Invitae), Labcorp
Classification: Uncertain significance for TNF receptor-associated periodic fever syndrome (TRAPS). Last evaluated: 2024-08-20. Review status: criteria provided, single submitter. Criteria: Invitae Variant Classification Sherloc (09022015). Collection method: clinical testing. Allele origin: germline.
Comment: This sequence change replaces alanine, which is neutral and non-polar, with valine, which is neutral and non-polar, at codon 450 of the TNFRSF1A protein (p.Ala450Val). This variant is not present in population databases (gnomAD no frequency). This variant has not been reported in the literature in individuals affected with TNFRSF1A-related conditions. Invitae Evidence Modeling of protein sequence and biophysical properties (such as structural, functional, and spatial information, amino acid conservation, physicochemical variation, residue mobility, and thermodynamic stability) has been performed for this missense variant. However, the output from this modeling did not meet the statistical confidence thresholds required to predict the impact of this variant on TNFRSF1A protein function. In summary, the available evidence is currently insufficient to determine the role of this variant in disease. Therefore, it has been classified as a Variant of Uncertain Significance.